The following is an entry in ClinVar:

ClinVar aggregate classification (germline): Uncertain significance. Review status: criteria provided, multiple submitters, no conflicts (2 of 4 stars). 2 submissions from 2 submitters: Uncertain significance (2). Last evaluated 2025-09-14.

Conditions:
Hereditary pheochromocytoma and paraganglioma. Also called: Hereditary paragangliomas and pheochromocytomas; Hereditary Paraganglioma-Pheochromocytoma Syndromes; Hereditary pheochromocytoma-paraganglioma. Identifiers: Orphanet 29072, MedGen C4274332, MONDO:0017366.
Hereditary cancer-predisposing syndrome. Also called: Neoplastic Syndromes, Hereditary; Tumor predisposition; Hereditary Cancer Syndrome; Hereditary neoplastic syndrome. Identifiers: Orphanet 140162, MedGen C0027672, MeSH D009386, MONDO:0015356.

Submissions (2):

Labcorp Genetics (formerly Invitae), Labcorp
Classification: Uncertain significance for Hereditary pheochromocytoma and paraganglioma. Last evaluated: 2025-09-14. Review status: criteria provided, single submitter. Criteria: Invitae Variant Classification Sherloc (09022015). Collection method: clinical testing. Allele origin: germline.
Comment: This sequence change replaces serine, which is neutral and polar, with cysteine, which is neutral and slightly polar, at codon 167 of the TMEM127 protein (p.Ser167Cys). This variant is not present in population databases (gnomAD no frequency). This variant has not been reported in the literature in individuals affected with TMEM127-related conditions. ClinVar contains an entry for this variant (Variation ID: 3326698). An algorithm developed to predict the effect of missense changes on protein structure and function (PolyPhen-2) suggests that this variant is likely to be disruptive. In summary, the available evidence is currently insufficient to determine the role of this variant in disease. Therefore, it has been classified as a Variant of Uncertain Significance.

Ambry Genetics
Classification: Uncertain significance for Hereditary cancer-predisposing syndrome. Last evaluated: 2024-04-19. Review status: criteria provided, single submitter. Criteria: Ambry Variant Classification Scheme 2023. Collection method: clinical testing. Allele origin: germline.
Comment: The p.S167C variant (also known as c.500C>G), located in coding exon 3 of the TMEM127 gene, results from a C to G substitution at nucleotide position 500. The serine at codon 167 is replaced by cysteine, an amino acid with dissimilar properties. This amino acid position is conserved. In addition, this alteration is predicted to be deleterious by in silico analysis. Based on the available evidence, the clinical significance of this variant remains unclear.

NM_017849.4(TMEM127):c.500C>G (p.Ser167Cys)

Gene: TMEM127 (transmembrane protein 127; minus strand). Cytogenetic location: 2q11.2.
Variant type: single nucleotide variant.
Coding change: c.500C>G on transcript NM_017849.4 (MANE Select); coding-DNA position 500, C replaced by G.
Protein change: p.Ser167Cys; replaces serine 167 with cysteine.
Molecular consequence: missense variant.
Genome position (GRCh38, 1-based): chr2:96,254,025, G>C on the plus strand (C>G on the coding strand, the complement: TMEM127 is on the minus strand). VCF-style: chr2-96254025-G-C. GRCh37 (hg19) VCF-style: chr2-96919763-G-C.
Other names: c.500C>G, p.Ser167Cys (NM_001193304.3); c.248C>G, p.Ser83Cys (NM_001407282.1, NM_001407283.1); short protein forms S167C, S83C.
Identifiers: ClinVar variation 3326698 (VCV003326698.2).